The following is an entry in ClinVar:

NM_198465.4(NRK):c.312A>G (p.Lys104=)

Gene: NRK (Nik related kinase; plus strand). Cytogenetic location: Xq22.3.
Variant type: single nucleotide variant.
Coding change: c.312A>G on transcript NM_198465.4 (MANE Select); coding-DNA position 312, A replaced by G.
Protein change: p.Lys104=; no amino-acid change (lysine 104 retained).
Molecular consequence: synonymous variant.
Genome position (GRCh38, 1-based): chrX:105,888,353, A>G. VCF-style: chrX-105888353-A-G. GRCh37 (hg19) VCF-style: chrX-105132346-A-G.
Identifiers: ClinVar variation 2661124 (VCV002661124.24), dbSNP rs2544801617, ClinGen allele CA517914348.

ClinVar aggregate classification (germline): Likely benign (1 of 4 stars; one submission).

Submission:

CeGaT Center for Human Genetics Tuebingen
Classification: Likely benign. Last evaluated: 2022-05-01. Review status: criteria provided, single submitter. Criteria: CeGaT Center For Human Genetics Tuebingen Variant Classification Criteria Version 2. Collection method: clinical testing. Allele origin: germline. Affected: yes. Observed: 1 variant allele.
Comment: NRK: PM2:Supporting, BP4, BP7